The following is an entry in ClinVar:

NM_020937.4(FANCM):c.4161T>C (p.Ser1387=)

Gene: FANCM (FA complementation group M; plus strand). Cytogenetic location: 14q21.2.
Variant type: single nucleotide variant.
Coding change: c.4161T>C on transcript NM_020937.4 (MANE Select); coding-DNA position 4161, T replaced by C.
Protein change: p.Ser1387=; no amino-acid change (serine 1387 retained).
Molecular consequence: synonymous variant.
Genome position (GRCh38, 1-based): chr14:45,176,915, T>C. VCF-style: chr14-45176915-T-C. GRCh37 (hg19) VCF-style: chr14-45646118-T-C.
Other names: c.4083T>C, p.Ser1361= (NM_001308133.2).
Identifiers: ClinVar variation 2183024 (VCV002183024.29), dbSNP rs1286300941, ClinGen allele CA486347638.
Genomic context (GRCh38, chr14:45,176,915, plus strand): 5'-AGTAAACCTACAAAGATTCAAAGAAGCATTGAATTCAACTTTTGATTATTCAGAATTTTC[T>C]CTAGAAAAGTCTAAAAGCAGTGGTCCAATGTATCTGCATAAATCCTGTCATTCTGTTGAA-3'
Protein context (NP_065988.1, residues 1377-1397): LNSTFDYSEF[Ser1387=]LEKSKSSGPM

ClinVar aggregate classification (germline): Likely benign. Review status: criteria provided, multiple submitters, no conflicts (2 of 4 stars). 3 submissions from 3 submitters: Likely benign (3). Last evaluated 2025-05-19.

Conditions:
Inborn genetic diseases. Identifiers: MedGen C0950123, MeSH D030342.
Fanconi anemia (FA). Also called: Fanconi's anemia. Identifiers: Orphanet 84, MedGen C0015625, MeSH D005199, MONDO:0019391.

Allele frequency attached by ClinVar (database versions not stated): gnomAD exomes 0.00001; gnomAD 0.00002; TOPMed 0.00002.

Submissions (3):

Labcorp Genetics (formerly Invitae), Labcorp
Classification: Likely benign for Fanconi anemia. Last evaluated: 2025-05-19. Review status: criteria provided, single submitter. Criteria: Invitae Variant Classification Sherloc (09022015). Collection method: clinical testing. Allele origin: germline.

Ambry Genetics
Classification: Likely benign for Inborn genetic diseases. Last evaluated: 2024-11-24. Review status: criteria provided, single submitter. Criteria: Ambry Variant Classification Scheme 2023. Collection method: clinical testing. Allele origin: germline.

CeGaT Center for Human Genetics Tuebingen
Classification: Likely benign. Last evaluated: 2023-08-01. Review status: criteria provided, single submitter. Criteria: CeGaT Center For Human Genetics Tuebingen Variant Classification Criteria Version 2. Collection method: clinical testing. Allele origin: germline. Affected: yes. Observed: 1 variant allele.
Comment: FANCM: BP4, BP7